The following is an entry in ClinVar:

ClinVar aggregate classification (germline): Uncertain significance (1 of 4 stars; one submission).

gnomAD v4.1: 1 of 1,614,170 alleles (0.000062%); highest among the groups gnomAD compares: Non-Finnish European, 0.000085%; no homozygotes.

Submission:

Ambry Genetics
Classification: Uncertain significance. Last evaluated: 2024-12-22. Review status: criteria provided, single submitter. Criteria: Ambry Variant Classification Scheme 2023. Collection method: clinical testing. Allele origin: germline.
Comment: The p.T655S variant (also known as c.1963A>T), located in coding exon 19 of the SRP72 gene, results from an A to T substitution at nucleotide position 1963. The threonine at codon 655 is replaced by serine, an amino acid with similar properties. This amino acid position is conserved. In addition, this alteration is predicted to be tolerated by in silico analysis. Based on the available evidence, the clinical significance of this variant remains unclear.

NM_006947.4(SRP72):c.1963A>T (p.Thr655Ser)

Gene: SRP72 (signal recognition particle 72; plus strand). Cytogenetic location: 4q12.
Variant type: single nucleotide variant.
Coding change: c.1963A>T on transcript NM_006947.4 (MANE Select); coding-DNA position 1963, A replaced by T.
Protein change: p.Thr655Ser; replaces threonine 655 with serine.
Molecular consequence: missense variant. On other transcripts: non-coding transcript variant (1).
Genome position (GRCh38, 1-based): chr4:56,501,808, A>T. VCF-style: chr4-56501808-A-T. GRCh37 (hg19) VCF-style: chr4-57367974-A-T.
Other names: c.1780A>T, p.Thr594Ser (NM_001267722.2); short protein forms T594S, T655S.
Identifiers: ClinVar variation 3801415 (VCV003801415.1).